The following is an entry in ClinVar:

NM_015352.2(POFUT1):c.428A>G (p.Lys143Arg)

Gene: POFUT1 (protein O-fucosyltransferase 1; plus strand). Cytogenetic location: 20q11.21.
Variant type: single nucleotide variant.
Coding change: c.428A>G on transcript NM_015352.2 (MANE Select); coding-DNA position 428, A replaced by G.
Protein change: p.Lys143Arg; replaces lysine 143 with arginine.
Molecular consequence: missense variant.
Genome position (GRCh38, 1-based): chr20:32,215,450, A>G. VCF-style: chr20-32215450-A-G. GRCh37 (hg19) VCF-style: chr20-30803253-A-G.
Other names: c.428A>G, p.Lys143Arg (NM_172236.2); short protein forms K143R.
Identifiers: ClinVar variation 3897506 (VCV003897506.1).

ClinVar aggregate classification (germline): Uncertain significance (1 of 4 stars; one submission).

Submission:

GeneDx
Classification: Uncertain significance. Last evaluated: 2024-11-05. Review status: criteria provided, single submitter. Criteria: GeneDx Variant Classification Process June 2021. Collection method: clinical testing. Allele origin: germline. Affected: yes.
Comment: Not observed at significant frequency in large population cohorts (gnomAD); In silico analysis supports that this missense variant has a deleterious effect on protein structure/function; Has not been previously published as pathogenic or benign to our knowledge